The following is an entry in ClinVar:

NM_018896.5(CACNA1G):c.2185T>C (p.Trp729Arg)

Gene: CACNA1G (calcium voltage-gated channel subunit alpha1 G; plus strand). Cytogenetic location: 17q21.33.
Variant type: single nucleotide variant.
Coding change: c.2185T>C on transcript NM_018896.5 (MANE Select); coding-DNA position 2185, T replaced by C.
Protein change: p.Trp729Arg; replaces tryptophan 729 with arginine.
Molecular consequence: missense variant. On other transcripts: non-coding transcript variant (5).
Genome position (GRCh38, 1-based): chr17:50,578,448, T>C. VCF-style: chr17-50578448-T-C. GRCh37 (hg19) VCF-style: chr17-48655809-T-C.
Other names: c.2185T>C, p.Trp729Arg (NM_001256324.2, NM_001256325.2, NM_001256326.2 and 24 more transcripts); short protein forms W729R.
Identifiers: ClinVar variation 931692 (VCV000931692.3), dbSNP rs2041195702, ClinGen allele CA400243077.

ClinVar aggregate classification (germline): Uncertain significance (1 of 4 stars; one submission).

Conditions:
Spinocerebellar ataxia 42, early-onset, severe, with neurodevelopmental deficits. Identifiers: MedGen C4748120, MONDO:0060758, OMIM 618087.

Submission:

Centre for Mendelian Genomics, University Medical Centre Ljubljana
Classification: Uncertain significance for Spinocerebellar ataxia 42, early-onset, severe, with neurodevelopmental deficits. Last evaluated: 2019-10-02. Review status: criteria provided, single submitter. Criteria: ACMG Guidelines, 2015. Collection method: clinical testing. Allele origin: unknown. Affected: yes.
Comment: This variant was classified as: Uncertain significance. The available evidence on this variant's pathogenicity is insufficient or conflicting. The following ACMG criteria were applied in classifying this variant: PM2,PP3.